The following is an entry in ClinVar:

NM_001830.4(CLCN4):c.1480C>A (p.His494Asn)

Gene: CLCN4 (Cl-/H+ antiporter 4; plus strand). Cytogenetic location: Xp22.2.
Variant type: single nucleotide variant.
Coding change: c.1480C>A on transcript NM_001830.4 (MANE Select); coding-DNA position 1480, C replaced by A.
Protein change: p.His494Asn; replaces histidine 494 with asparagine.
Molecular consequence: missense variant.
Genome position (GRCh38, 1-based): chrX:10,212,557, C>A. VCF-style: chrX-10212557-C-A. GRCh37 (hg19) VCF-style: chrX-10180597-C-A.
Other names: c.1198C>A, p.His400Asn (NM_001256944.2); short protein forms H400N, H494N.
Identifiers: ClinVar variation 1195714 (VCV001195714.30), dbSNP rs754361706, ClinGen allele CA326601224.

ClinVar aggregate classification (germline): Uncertain significance. Review status: criteria provided, multiple submitters, no conflicts (2 of 4 stars). 4 submissions from 4 submitters: Uncertain significance (4). Last evaluated 2023-09-14.

Allele frequency attached by ClinVar (database versions not stated): TOPMed below 0.00001; gnomAD 0.00001; gnomAD exomes 0.00002.
gnomAD v4.1: 19 of 1,209,901 alleles (0.0016%); highest among the groups gnomAD compares: Non-Finnish European, 0.0021%; no homozygotes.

Submissions (4):

Blueprint Genetics
Classification: Uncertain significance. Last evaluated: 2023-09-14. Review status: criteria provided, single submitter. Criteria: ACMG Guidelines, 2015. Collection method: clinical testing. Allele origin: germline.

Labcorp Genetics (formerly Invitae), Labcorp
Classification: Uncertain significance. Last evaluated: 2023-08-09. Review status: criteria provided, single submitter. Criteria: Invitae Variant Classification Sherloc (09022015). Collection method: clinical testing. Allele origin: germline.
Comment: This variant has not been reported in the literature in individuals affected with CLCN4-related conditions. This variant is present in population databases (rs754361706, gnomAD 0.009%). This sequence change replaces histidine, which is basic and polar, with asparagine, which is neutral and polar, at codon 494 of the CLCN4 protein (p.His494Asn). In summary, the available evidence is currently insufficient to determine the role of this variant in disease. Therefore, it has been classified as a Variant of Uncertain Significance. Advanced modeling of protein sequence and biophysical properties (such as structural, functional, and spatial information, amino acid conservation, physicochemical variation, residue mobility, and thermodynamic stability) has been performed at Invitae for this missense variant, however the output from this modeling did not meet the statistical confidence thresholds required to predict the impact of this variant on CLCN4 protein function. ClinVar contains an entry for this variant (Variation ID: 1195714).

CeGaT Center for Human Genetics Tuebingen
Classification: Uncertain significance. Last evaluated: 2022-07-01. Review status: criteria provided, single submitter. Criteria: CeGaT Center For Human Genetics Tuebingen Variant Classification Criteria Version 2. Collection method: clinical testing. Allele origin: germline. Affected: yes. Observed: 1 variant allele.
Comment: CLCN4: PP2, PP3

GeneDx
Classification: Uncertain significance. Last evaluated: 2020-06-23. Review status: criteria provided, single submitter. Criteria: GeneDx Variant Classification Process June 2021. Collection method: clinical testing. Allele origin: germline. Affected: yes.
Comment: Has not been previously published as pathogenic or benign to our knowledge; In silico analysis, which includes protein predictors and evolutionary conservation, supports that this variant does not alter protein structure/function